The following is an entry in ClinVar:

ClinVar aggregate classification (germline): Uncertain significance (1 of 4 stars; one submission).

Conditions:
Neuroblastoma, susceptibility to, 3. Also called: ALK-Related Neuroblastic Tumor Susceptibility. Identifiers: Orphanet 635, MedGen C2751681, MONDO:0013083, OMIM 613014.

Submission:

Labcorp Genetics (formerly Invitae), Labcorp
Classification: Uncertain significance for Neuroblastoma, susceptibility to, 3. Last evaluated: 2025-02-04. Review status: criteria provided, single submitter. Criteria: Invitae Variant Classification Sherloc (09022015). Collection method: clinical testing. Allele origin: germline.
Comment: This sequence change replaces glutamic acid, which is acidic and polar, with lysine, which is basic and polar, at codon 265 of the ALK protein (p.Glu265Lys). This variant is not present in population databases (gnomAD no frequency). This variant has not been reported in the literature in individuals affected with ALK-related conditions. An algorithm developed to predict the effect of missense changes on protein structure and function (PolyPhen-2) suggests that this variant is likely to be tolerated. In summary, the available evidence is currently insufficient to determine the role of this variant in disease. Therefore, it has been classified as a Variant of Uncertain Significance.

NM_004304.5(ALK):c.793G>A (p.Glu265Lys)

Gene: ALK (ALK receptor tyrosine kinase; minus strand). Cytogenetic location: 2p23.2.
Variant type: single nucleotide variant.
Coding change: c.793G>A on transcript NM_004304.5 (MANE Select); coding-DNA position 793, G replaced by A.
Protein change: p.Glu265Lys; replaces glutamic acid 265 with lysine.
Molecular consequence: missense variant.
Genome position (GRCh38, 1-based): chr2:29,695,009, C>T on the plus strand (G>A on the coding strand, the complement: ALK is on the minus strand). VCF-style: chr2-29695009-C-T. GRCh37 (hg19) VCF-style: chr2-29917875-C-T.
Other names: short protein forms E265K.
Identifiers: ClinVar variation 4811562 (VCV004811562.1).
Genomic context (GRCh38, chr2:29,695,009, plus strand): 5'-TCCTGAGGTCATGCAGTGGAGGGGAATACTCCAGCTCACAGGGGAAGTCAAAGCTGCACT[C>T]CAGACCTGCAATAATAGCCAAGGGTCAATGGAAAAAACCATTTCCCAAACGTGACTTTTC-3'
Protein context (NP_004295.2, residues 255-275): FLSHRSRYGL[Glu265Lys]CSFDFPCELE